The following is an entry in ClinVar:

NM_032782.5(HAVCR2):c.254A>G (p.Asn85Ser)

Gene: HAVCR2 (hepatitis A virus cellular receptor 2; minus strand). Cytogenetic location: 5q33.3.
Variant type: single nucleotide variant.
Coding change: c.254A>G on transcript NM_032782.5 (MANE Select); coding-DNA position 254, A replaced by G.
Protein change: p.Asn85Ser; replaces asparagine 85 with serine.
Molecular consequence: missense variant.
Genome position (GRCh38, 1-based): chr5:157,106,767, T>C on the plus strand (A>G on the coding strand, the complement: HAVCR2 is on the minus strand). VCF-style: chr5-157106767-T-C. GRCh37 (hg19) VCF-style: chr5-156533778-T-C.
Other names: short protein forms N85S.
Identifiers: ClinVar variation 3895866 (VCV003895866.1).

ClinVar aggregate classification (germline): Uncertain significance (1 of 4 stars; one submission).

Submission:

Women's Health and Genetics/Laboratory Corporation of America, LabCorp
Classification: Uncertain significance. Last evaluated: 2025-03-03. Review status: criteria provided, single submitter. Criteria: LabCorp Variant Classification Summary - May 2015. Collection method: clinical testing. Allele origin: germline.
Comment: Variant summary: HAVCR2 c.254A>G (p.Asn85Ser) results in a conservative amino acid change in the encoded protein sequence. Five of five in-silico tools predict a benign effect of the variant on protein function. The variant was absent in 251464 control chromosomes. The available data on variant occurrences in the general population are insufficient to allow any conclusion about variant significance. To our knowledge, no occurrence of c.254A>G in individuals affected with Subcutaneous panniculitis-like T-cell lymphoma and no experimental evidence demonstrating its impact on protein function have been reported. No submitters have cited clinical-significance assessments for this variant to ClinVar. Based on the evidence outlined above, the variant was classified as uncertain significance.